The following is an entry in ClinVar:

NM_020547.3(AMHR2):c.903C>T (p.Ser301=)

Gene: AMHR2 (anti-Mullerian hormone receptor type 2; plus strand). Cytogenetic location: 12q13.13.
Variant type: single nucleotide variant.
Coding change: c.903C>T on transcript NM_020547.3 (MANE Select); coding-DNA position 903, C replaced by T.
Protein change: p.Ser301=; no amino-acid change (serine 301 retained).
Molecular consequence: synonymous variant.
Genome position (GRCh38, 1-based): chr12:53,428,946, C>T. VCF-style: chr12-53428946-C-T. GRCh37 (hg19) VCF-style: chr12-53822730-C-T.
Other names: c.903C>T, p.Ser301= (NM_001164690.2, NM_001164691.2).
Identifiers: ClinVar variation 2045096 (VCV002045096.6), dbSNP rs142812586, ClinGen allele CA6600478.

ClinVar aggregate classification (germline): Benign. Review status: criteria provided, single submitter (1 of 4 stars). 2 submissions from 2 submitters: Benign (1). 1 of the submissions does not count toward it. Last evaluated 2025-02-19.

Conditions:
AMHR2-related disorder. Also called: AMHR2-related condition.

Allele frequency attached by ClinVar (database versions not stated): ExAC 0.00039; TOPMed 0.00069; ESP Exome Variant Server 0.00074; gnomAD 0.00075; gnomAD exomes 0.00140.

Submissions (2):

Labcorp Genetics (formerly Invitae), Labcorp
Classification: Benign. Last evaluated: 2025-02-19. Review status: criteria provided, single submitter. Criteria: Invitae Variant Classification Sherloc (09022015). Collection method: clinical testing. Allele origin: germline.

PreventionGenetics, part of Exact Sciences
Classification: Likely benign for AMHR2-related condition. Last evaluated: 2024-02-22. Review status: no assertion criteria provided. Collection method: clinical testing. Allele origin: germline. Not counted in ClinVar's aggregate classification.
Comment: This variant is classified as likely benign based on ACMG/AMP sequence variant interpretation guidelines (Richards et al. 2015 PMID: 25741868, with internal and published modifications).